The following is an entry in ClinVar:

ClinVar aggregate classification (germline): Conflicting classifications of pathogenicity. Review status: criteria provided, conflicting classifications (1 of 4 stars). 5 submissions from 5 submitters: Uncertain significance (2); Likely benign (2). 1 of the submissions does not count toward it. Last evaluated 2026-01-07.

Conditions:
TSPEAR-related disorder. Also called: TSPEAR-related condition.

Allele frequency attached by ClinVar (database versions not stated): ESP Exome Variant Server 0.00015; ExAC 0.00036; gnomAD 0.00041 and 0.00042; gnomAD exomes 0.00047; TOPMed 0.00055.

Submissions (5):

Labcorp Genetics (formerly Invitae), Labcorp
Classification: Likely benign. Last evaluated: 2026-01-07. Review status: criteria provided, single submitter. Criteria: Invitae Variant Classification Sherloc (09022015). Collection method: clinical testing. Allele origin: germline.

CeGaT Center for Human Genetics Tuebingen
Classification: Uncertain significance. Last evaluated: 2020-10-01. Review status: criteria provided, single submitter. Criteria: CeGaT Center For Human Genetics Tuebingen Variant Classification Criteria Version 2. Collection method: clinical testing. Allele origin: germline. Affected: yes. Observed: 1 variant allele.

GeneDx
Classification: Likely benign. Last evaluated: 2019-10-04. Review status: criteria provided, single submitter. Criteria: GeneDx Variant Classification Process June 2021. Collection method: clinical testing. Allele origin: germline. Affected: yes.

Laboratory for Molecular Medicine, Mass General Brigham Personalized Medicine
Classification: Uncertain significance. Last evaluated: 2015-06-18. Review status: criteria provided, single submitter. Criteria: LMM Criteria. Collection method: clinical testing. Allele origin: germline. Observed: 2 variant alleles.
Comment: Variant classified as Uncertain Significance - Favor Benign. This variant has been identified in 0.2% (26/11328) of Latino chrom osomes by the Exome Aggregation Consortium (ExAC ; dbSNP rs148967240). Although this variant has been seen in the general populat ion, its frequency is not high enough to rule out a pathogenic role. Computation al prediction tools and conservation analysis suggest that the p.Ala140Thr varia nt may not impact the protein, though this information is not predictive enough to rule out pathogenicity. In summary, while the clinical significance of the p. Ala140Thr variant is uncertain, these data suggest that it is more likely to be benign.

PreventionGenetics, part of Exact Sciences
Classification: Likely benign for TSPEAR-related condition. Last evaluated: 2023-01-17. Review status: no assertion criteria provided. Collection method: clinical testing. Allele origin: germline. Not counted in ClinVar's aggregate classification.
Comment: This variant is classified as likely benign based on ACMG/AMP sequence variant interpretation guidelines (Richards et al. 2015 PMID: 25741868, with internal and published modifications).

NM_144991.3(TSPEAR):c.418G>A (p.Ala140Thr)

Gene: TSPEAR (thrombospondin type laminin G domain and EAR repeats; minus strand). Cytogenetic location: 21q22.3.
Variant type: single nucleotide variant.
Coding change: c.418G>A on transcript NM_144991.3 (MANE Select); coding-DNA position 418, G replaced by A.
Protein change: p.Ala140Thr; replaces alanine 140 with threonine.
Molecular consequence: missense variant.
Genome position (GRCh38, 1-based): chr21:44,533,809, C>T on the plus strand (G>A on the coding strand, the complement: TSPEAR is on the minus strand). VCF-style: chr21-44533809-C-T. GRCh37 (hg19) VCF-style: chr21-45953692-C-T.
Other names: c.214G>A, p.Ala72Thr (NM_001272037.2); short protein forms A140T, A72T.
Identifiers: ClinVar variation 229378 (VCV000229378.52), dbSNP rs148967240, ClinGen allele CA10057024.
Genomic context (GRCh38, chr21:44,533,809, plus strand): 5'-GTGTGTGCCAGCGGCCATCCACCAGGGCCGGGCTGCGGAAGGACACTCGGGTCTGCCAGG[C>T]GCCGGCCGTGTCCTCGCGAAGGAACAGGAAGTGCAGCTGGGCAGGTGACAACCGCAGGCC-3'
Protein context (NP_659428.2, residues 130-150): FLFLREDTAG[Ala140Thr]WQTRVSFRSP